The following is an entry in ClinVar:

NM_017950.4(CCDC40):c.3028_3030delinsAAC (p.Asp1010Asn)

Gene: CCDC40 (coiled-coil domain 40 molecular ruler complex subunit; plus strand). Cytogenetic location: 17q25.3.
Variant type: Indel.
Coding change: c.3028_3030delinsAAC on transcript NM_017950.4 (MANE Select); coding-DNA positions 3028 to 3030, GAT replaced by AAC.
Protein change: p.Asp1010Asn; replaces aspartic acid 1010 with asparagine.
Molecular consequence: missense variant.
Genome position (GRCh38, 1-based): chr17:80,097,251-80,097,253, GAT replaced by AAC. VCF-style: chr17-80097251-GAT-AAC. GRCh37 (hg19) VCF-style: chr17-78071050-GAT-AAC.
Other names: short protein forms D1010N.
Identifiers: ClinVar variation 1798980 (VCV001798980.2), dbSNP rs2510325952, ClinGen allele CA2580095438.

ClinVar aggregate classification (germline): Uncertain significance (1 of 4 stars; one submission).

Conditions:
Primary ciliary dyskinesia. Also called: Ciliary dyskinesia. Identifiers: Orphanet 244, MedGen C0008780, MONDO:0016575, HP:0012265.

Submission:

Ambry Genetics
Classification: Uncertain significance for Primary ciliary dyskinesia. Last evaluated: 2018-05-29. Review status: criteria provided, single submitter. Criteria: Ambry Variant Classification Scheme 2023. Collection method: clinical testing. Allele origin: germline.
Comment: The c.3028_3030delGATinsAAC variant (also known as p.D1010N), located in coding exon 19 of the CCDC40 gene, results from an in-frame deletion of GAT and insertion of AAC at nucleotide positions 3028 to 3030. This results in the substitution of the aspartic acid residue for an asparagine residue at codon 1010, an amino acid with highly similar properties. This amino acid position is poorly conserved in available vertebrate species. Since supporting evidence is limited at this time, the clinical significance of this alteration remains unclear.